The following is an entry in ClinVar:

NM_004304.5(ALK):c.4294C>T (p.Arg1432Trp)

Gene: ALK (ALK receptor tyrosine kinase; minus strand). Cytogenetic location: 2p23.2.
Variant type: single nucleotide variant.
Coding change: c.4294C>T on transcript NM_004304.5 (MANE Select); coding-DNA position 4294, C replaced by T.
Protein change: p.Arg1432Trp; replaces arginine 1432 with tryptophan.
Molecular consequence: missense variant.
Genome position (GRCh38, 1-based): chr2:29,193,793, G>A on the plus strand (C>T on the coding strand, the complement: ALK is on the minus strand). VCF-style: chr2-29193793-G-A. GRCh37 (hg19) VCF-style: chr2-29416659-G-A.
Other names: c.1090C>T, p.Arg364Trp (NM_001353765.2); c.4294C>T (NM_004304.4); short protein forms R1432W, R364W.
Identifiers: ClinVar variation 1061935 (VCV001061935.9), dbSNP rs1668950917, ClinGen allele CA346462758.
Genomic context (GRCh38, chr2:29,193,793, plus strand): 5'-CCTTGCCAGAGGAGGTGGTAGGCAGAGGTGGTGGGGCAGCTGGGCTGCGCTCCTCCTCCC[G>A]TTTTGCCTGTTGAGAGACCAGGAGAGGAGGAACCCCCTCAGGGTCCTTGGGCCTCACAGG-3'
Protein context (NP_004295.2, residues 1422-1442): PPLLVSQQAK[Arg1432Trp]EEERSPAAPP

ClinVar aggregate classification (germline): Uncertain significance. Review status: criteria provided, multiple submitters, no conflicts (2 of 4 stars). 2 submissions from 2 submitters: Uncertain significance (2). Last evaluated 2025-05-11.

Conditions:
Hereditary cancer-predisposing syndrome. Also called: Tumor predisposition; Neoplastic Syndromes, Hereditary; Hereditary Cancer Syndrome; Hereditary neoplastic syndrome. Identifiers: Orphanet 140162, MedGen C0027672, MeSH D009386, MONDO:0015356.
Neuroblastoma, susceptibility to, 3. Also called: ALK-Related Neuroblastic Tumor Susceptibility. Identifiers: Orphanet 635, MedGen C2751681, MONDO:0013083, OMIM 613014.

Allele frequency attached by ClinVar (database versions not stated): gnomAD exomes below 0.00001; gnomAD 0.00001; TOPMed 0.00001.
gnomAD v4.1: 2 of 1,595,692 alleles (0.00013%); highest among the groups gnomAD compares: South Asian, 0.0011%; no homozygotes.

Submissions (2):

Ambry Genetics
Classification: Uncertain significance for Hereditary cancer-predisposing syndrome. Last evaluated: 2025-05-11. Review status: criteria provided, single submitter. Criteria: Ambry Variant Classification Scheme 2023. Collection method: clinical testing. Allele origin: germline.
Comment: The p.R1432W variant (also known as c.4294C>T), located in coding exon 29 of the ALK gene, results from a C to T substitution at nucleotide position 4294. The arginine at codon 1432 is replaced by tryptophan, an amino acid with dissimilar properties. This amino acid position is conserved. In addition, this alteration is predicted to be tolerated by in silico analysis. Since supporting evidence is limited at this time, the clinical significance of this alteration remains unclear.

Labcorp Genetics (formerly Invitae), Labcorp
Classification: Uncertain significance for Neuroblastoma, susceptibility to, 3. Last evaluated: 2022-11-08. Review status: criteria provided, single submitter. Criteria: Invitae Variant Classification Sherloc (09022015). Collection method: clinical testing. Allele origin: germline.
Comment: In summary, the available evidence is currently insufficient to determine the role of this variant in disease. Therefore, it has been classified as a Variant of Uncertain Significance. Algorithms developed to predict the effect of missense changes on protein structure and function are either unavailable or do not agree on the potential impact of this missense change (SIFT: "Deleterious"; PolyPhen-2: "Possibly Damaging"; Align-GVGD: "Class C0"). ClinVar contains an entry for this variant (Variation ID: 1061935). This variant has not been reported in the literature in individuals affected with ALK-related conditions. This variant is not present in population databases (gnomAD no frequency). This sequence change replaces arginine, which is basic and polar, with tryptophan, which is neutral and slightly polar, at codon 1432 of the ALK protein (p.Arg1432Trp).